The following is an entry in ClinVar:

ClinVar aggregate classification (germline): Likely benign (1 of 4 stars; one submission).

Submission:

CeGaT Center for Human Genetics Tuebingen
Classification: Likely benign. Last evaluated: 2025-06-01. Review status: criteria provided, single submitter. Criteria: CeGaT Center For Human Genetics Tuebingen Variant Classification Criteria Version 2. Collection method: clinical testing. Allele origin: germline. Affected: yes. Observed: 1 variant allele.
Comment: DHX9: BP4, BP7

NM_001357.5(DHX9):c.3168T>C (p.Ala1056=)

Gene: DHX9 (DExH-box helicase 9; plus strand). Cytogenetic location: 1q25.3.
Variant type: single nucleotide variant.
Coding change: c.3168T>C on transcript NM_001357.5 (MANE Select); coding-DNA position 3168, T replaced by C.
Protein change: p.Ala1056=; no amino-acid change (alanine 1056 retained).
Molecular consequence: synonymous variant. On other transcripts: non-coding transcript variant (1).
Genome position (GRCh38, 1-based): chr1:182,883,543, T>C. VCF-style: chr1-182883543-T-C. GRCh37 (hg19) VCF-style: chr1-182852678-T-C.
Identifiers: ClinVar variation 3905467 (VCV003905467.10).
Genomic context (GRCh38, chr1:182,883,543, plus strand): 5'-GTCAACCATTTTGTATTGTCTCTTTCTCCATTTGCAGATTCGAACTCGAGCCATCTCTGC[T>C]AAAGGCATGACTTTAGTCACCCCCCTGCAGTTGCTTCTCTTTGCCTCCAAGAAAGTCCAA-3'
Protein context (NP_001348.2, residues 1046-1066): GEKIRTRAIS[Ala1056=]KGMTLVTPLQ